The following is an entry in ClinVar:

ClinVar aggregate classification (germline): Uncertain significance (1 of 4 stars; one submission).

Submission:

GeneDx
Classification: Uncertain significance. Last evaluated: 2023-04-13. Review status: criteria provided, single submitter. Criteria: GeneDx Variant Classification Process June 2021. Collection method: clinical testing. Allele origin: germline. Affected: yes.
Comment: Not observed at significant frequency in large population cohorts (gnomAD); In silico analysis supports that this missense variant does not alter protein structure/function; Has not been previously published as pathogenic or benign to our knowledge

NM_001378120.1(MBD5):c.464G>T (p.Gly155Val)

Gene: MBD5 (methyl-CpG binding domain protein 5; plus strand). Cytogenetic location: 2q23.1.
Variant type: single nucleotide variant.
Coding change: c.464G>T on transcript NM_001378120.1 (MANE Select); coding-DNA position 464, G replaced by T.
Protein change: p.Gly155Val; replaces glycine 155 with valine.
Molecular consequence: missense variant.
Genome position (GRCh38, 1-based): chr2:148,468,407, G>T. VCF-style: chr2-148468407-G-T. GRCh37 (hg19) VCF-style: chr2-149225976-G-T.
Other names: c.464G>T, p.Gly155Val (NM_018328.5); short protein forms G155V.
Identifiers: ClinVar variation 2662467 (VCV002662467.1), dbSNP rs1680660591, ClinGen allele CA348716848.